The following is an entry in ClinVar:

ClinVar aggregate classification (germline): Uncertain significance (1 of 4 stars; one submission).

gnomAD v4.1: 1 of 1,613,880 alleles (0.000062%); highest among the groups gnomAD compares: Non-Finnish European, 0.000085%; no homozygotes.

Submission:

Ambry Genetics
Classification: Uncertain significance. Last evaluated: 2025-03-28. Review status: criteria provided, single submitter. Criteria: Ambry Variant Classification Scheme 2023. Collection method: clinical testing. Allele origin: germline.
Comment: The p.N253S variant (also known as c.758A>G), located in coding exon 2 of the WNK2 gene, results from an A to G substitution at nucleotide position 758. The asparagine at codon 253 is replaced by serine, an amino acid with highly similar properties. This amino acid position is conserved. In addition, this alteration is predicted to be tolerated by in silico analysis. Based on the available evidence, the clinical significance of this variant remains unclear.

NM_006648.4(WNK2):c.758A>G (p.Asn253Ser)

Gene: WNK2 (WNK lysine deficient protein kinase 2; plus strand). Cytogenetic location: 9q22.31.
Variant type: single nucleotide variant.
Coding change: c.758A>G on transcript NM_006648.4 (MANE Select); coding-DNA position 758, A replaced by G.
Protein change: p.Asn253Ser; replaces asparagine 253 with serine.
Molecular consequence: missense variant.
Genome position (GRCh38, 1-based): chr9:93,229,772, A>G. VCF-style: chr9-93229772-A-G. GRCh37 (hg19) VCF-style: chr9-95992054-A-G.
Other names: c.758A>G, p.Asn253Ser (NM_001282394.3); short protein forms N253S.
Identifiers: ClinVar variation 3981749 (VCV003981749.1).